The following is an entry in ClinVar:

ClinVar aggregate classification (germline): Benign. Review status: criteria provided, single submitter (1 of 4 stars). 2 submissions from 2 submitters: Benign (1). 1 of the submissions does not count toward it. Last evaluated 2026-01-19.

Conditions:
RPL19-related disorder. Also called: RPL19-related condition.

Allele frequency attached by ClinVar (database versions not stated): ExAC 0.02162.

Submissions (2):

Labcorp Genetics (formerly Invitae), Labcorp
Classification: Benign. Last evaluated: 2026-01-19. Review status: criteria provided, single submitter. Criteria: Invitae Variant Classification Sherloc (09022015). Collection method: clinical testing. Allele origin: germline.

PreventionGenetics, part of Exact Sciences
Classification: Likely benign for RPL19-related condition. Last evaluated: 2023-03-15. Review status: no assertion criteria provided. Collection method: clinical testing. Allele origin: germline. Not counted in ClinVar's aggregate classification.
Comment: This variant is classified as likely benign based on ACMG/AMP sequence variant interpretation guidelines (Richards et al. 2015 PMID: 25741868, with internal and published modifications).

NM_000981.4(RPL19):c.536C>T (p.Ala179Val)

Gene: RPL19 (ribosomal protein L19; plus strand). Cytogenetic location: 17q12.
Variant type: single nucleotide variant.
Coding change: c.536C>T on transcript NM_000981.4 (MANE Select); coding-DNA position 536, C replaced by T.
Protein change: p.Ala179Val; replaces alanine 179 with valine.
Molecular consequence: missense variant.
Genome position (GRCh38, 1-based): chr17:39,204,593, C>T. VCF-style: chr17-39204593-C-T. GRCh37 (hg19) VCF-style: chr17-37360846-C-T.
Other names: c.536C>T (NM_000981.3); c.530C>T, p.Ala177Val (NM_001330200.1); short protein forms A177V, A179V.
Identifiers: ClinVar variation 1167858 (VCV001167858.11), dbSNP rs113832291, ClinGen allele CA8528967.
Genomic context (GRCh38, chr17:39,204,593, plus strand): 5'-CTGAGGCCCGCAGGTCTAAGACCAAGGAAGCACGCAAGCGCCGTGAAGAGCGCCTCCAGG[C>T]CAAGAAGGAGGAGATCATCAAGACTTTATCCAAGGAGGAAGAGACCAAGAAATAAAACCT-3'
Protein context (NP_000972.1, residues 169-189): ARKRREERLQ[Ala179Val]KKEEIIKTLS